The following is an entry in ClinVar:

NC_000012.12:g.47983439del

Gene: COL2A1 (collagen type II alpha 1 chain; minus strand). Cytogenetic location: 12q13.11.
Variant type: Deletion.
Genome position: GRCh38 VCF-style: chr12-47983436-TC-T. GRCh37 (hg19) VCF-style: chr12-48377219-TC-T.
Identifiers: ClinVar variation 1453849 (VCV001453849.7), dbSNP rs2136555161, ClinGen allele CA2573148602.
Genomic context (GRCh38, chr12:47,983,436, plus strand): 5'-CATACTCACCTGGTCACCTGGTTTTCCACCTTCACCTGGGGGACCAGGAGGGCCAGGAAG[TC>T]CCTAGAAGCCGAAGTGACAAGCGTTAGCAAAGGAGTGAGTTTGCTGCCCTGGCCCCCAGG-3'

ClinVar aggregate classification (germline): Pathogenic (1 of 4 stars; one submission).

Submission:

Labcorp Genetics (formerly Invitae), Labcorp
Classification: Pathogenic. Last evaluated: 2023-11-10. Review status: criteria provided, single submitter. Criteria: Invitae Variant Classification Sherloc (09022015). Collection method: clinical testing. Allele origin: germline.
Comment: This sequence change creates a premature translational stop signal (p.Gly666Aspfs*122) in the COL2A1 gene. It is expected to result in an absent or disrupted protein product. Loss-of-function variants in COL2A1 are known to be pathogenic (PMID: 20179744). This variant is not present in population databases (gnomAD no frequency). This variant has not been reported in the literature in individuals affected with COL2A1-related conditions. ClinVar contains an entry for this variant (Variation ID: 1453849). For these reasons, this variant has been classified as Pathogenic.

Literature cited by the submitters: PubMed 20179744.